The following is an entry in ClinVar:

NM_001267550.2(TTN):c.104904G>C (p.Lys34968Asn)

Genes: TTN-AS1 (TTN antisense RNA 1; plus strand), TTN (titin; minus strand). Cytogenetic location: 2q31.2.
Variant type: single nucleotide variant.
Coding change: c.104904G>C on transcript NM_001267550.2 (MANE Select); coding-DNA position 104904, G replaced by C.
Protein change: p.Lys34968Asn; replaces lysine 34968 with asparagine.
Molecular consequence: missense variant.
Genome position (GRCh38, 1-based): chr2:178,531,711, C>G on the plus strand (G>C on the coding strand, the complement: TTN is on the minus strand). VCF-style: chr2-178531711-C-G. GRCh37 (hg19) VCF-style: chr2-179396438-C-G.
Other names: c.99981G>C, p.Lys33327Asn (NM_001256850.1); c.77709G>C, p.Lys25903Asn (NM_003319.4); c.97200G>C, p.Lys32400Asn (NM_133378.4); c.78084G>C, p.Lys26028Asn (NM_133432.3); c.78285G>C, p.Lys26095Asn (NM_133437.4); short protein forms K34968N, K33327N, K25903N, K26095N, K32400N, K26028N.
Identifiers: ClinVar variation 466735 (VCV000466735.9), dbSNP rs1274496471, ClinGen allele CA349409919.

ClinVar aggregate classification (germline): Uncertain significance (1 of 4 stars; one submission).

Conditions:
Autosomal recessive limb-girdle muscular dystrophy type 2J (LGMDR10). Also called: Limb-girdle muscular dystrophy, type 2J; MUSCULAR DYSTROPHY, LIMB-GIRDLE, AUTOSOMAL RECESSIVE 10. Identifiers: Orphanet 140922, MedGen C1837342, MONDO:0012127, OMIM 608807.
Dilated cardiomyopathy 1G (CMD1G). Identifiers: Orphanet 154, MedGen C1858763, MONDO:0011400, OMIM 604145.

Allele frequency attached by ClinVar (database versions not stated): gnomAD exomes below 0.00001; TOPMed below 0.00001.
gnomAD v4.1: 4 of 1,613,986 alleles (0.00025%); highest among the groups gnomAD compares: Non-Finnish European, 0.00034%; no homozygotes.

Submission:

Labcorp Genetics (formerly Invitae), Labcorp
Classification: Uncertain significance for Dilated cardiomyopathy 1G; Autosomal recessive limb-girdle muscular dystrophy type 2J. Last evaluated: 2025-04-24. Review status: criteria provided, single submitter. Criteria: Invitae Variant Classification Sherloc (09022015). Collection method: clinical testing. Allele origin: germline.
Comment: This sequence change replaces lysine, which is basic and polar, with asparagine, which is neutral and polar, at codon 34968 of the TTN protein (p.Lys34968Asn). This variant is present in population databases (no rsID available, gnomAD 0.0009%). This variant has not been reported in the literature in individuals affected with TTN-related conditions. ClinVar contains an entry for this variant (Variation ID: 466735). Experimental studies and prediction algorithms are not available or were not evaluated, and the functional significance of this variant is currently unknown. This variant is located in the M band of TTN (PMID: 25589632). Non-truncating variants in this region may be relevant for neuromuscular disorders, but have not been definitively shown to cause cardiomyopathy (PMID: 23975875). In summary, the available evidence is currently insufficient to determine the role of this variant in disease. Therefore, it has been classified as a Variant of Uncertain Significance.

Literature cited by the submitters: PubMed 25589632; PubMed 23975875.